The following is an entry in ClinVar:

ClinVar aggregate classification (germline): Likely benign (0 of 4 stars; one submission).

Conditions:
LIMA1-related disorder. Also called: LIMA1-related condition.

Allele frequency attached by ClinVar (database versions not stated): gnomAD exomes 0.00001; ExAC 0.00004; gnomAD 0.00011; TOPMed 0.00021; ESP Exome Variant Server 0.00031.
gnomAD v4.1: 35 of 1,614,072 alleles (0.0022%); highest among the groups gnomAD compares: African/African-American, 0.033%; no homozygotes.

Submission:

PreventionGenetics, part of Exact Sciences
Classification: Likely benign for LIMA1-related condition. Last evaluated: 2019-07-10. Review status: no assertion criteria provided. Collection method: clinical testing. Allele origin: germline.
Comment: This variant is classified as likely benign based on ACMG/AMP sequence variant interpretation guidelines (Richards et al. 2015 PMID: 25741868, with internal and published modifications).

NM_016357.5(LIMA1):c.385A>C (p.Arg129=)

Gene: LIMA1 (LIM domain and actin binding 1; minus strand). Cytogenetic location: 12q13.12.
Variant type: single nucleotide variant.
Coding change: c.385A>C on transcript NM_016357.5 (MANE Select); coding-DNA position 385, A replaced by C.
Protein change: p.Arg129=; no amino-acid change (arginine 129 retained).
Molecular consequence: synonymous variant. On other transcripts: 5 prime UTR variant (1), intron variant (1).
Genome position (GRCh38, 1-based): chr12:50,222,266, T>G on the plus strand (A>C on the coding strand, the complement: LIMA1 is on the minus strand). VCF-style: chr12-50222266-T-G. GRCh37 (hg19) VCF-style: chr12-50616049-T-G.
Other names: c.385A>C, p.Arg129= (NM_001113546.2, NM_001394886.1, NM_001394887.1 and 5 more transcripts); c.-96A>C (NM_001113547.2); c.166-54A>C (NM_001394893.1).
Identifiers: ClinVar variation 3050485 (VCV003050485.2), dbSNP rs375473793, ClinGen allele CA6562783.